The following is an entry in ClinVar:

NM_020433.5(JPH2):c.2011-15C>T

Gene: JPH2 (junctophilin 2; minus strand). Cytogenetic location: 20q13.12.
Variant type: single nucleotide variant.
Coding change: c.2011-15C>T on transcript NM_020433.5 (MANE Select); 15 bases into the intron before coding-DNA position 2011, C replaced by T.
Molecular consequence: intron variant.
Genome position (GRCh38, 1-based): chr20:44,114,891, G>A on the plus strand (C>T on the coding strand, the complement: JPH2 is on the minus strand). VCF-style: chr20-44114891-G-A. GRCh37 (hg19) VCF-style: chr20-42743531-G-A.
Identifiers: ClinVar variation 389535 (VCV000389535.6), dbSNP rs755656916, ClinGen allele CA9868523.

ClinVar aggregate classification (germline): Likely benign. Review status: criteria provided, multiple submitters, no conflicts (2 of 4 stars). 3 submissions from 3 submitters: Likely benign (3). Last evaluated 2025-09-05.

Conditions:
Hypertrophic cardiomyopathy. Also called: HYPERTROPHIC MYOCARDIOPATHY. Identifiers: Orphanet 217569, MedGen C0007194, MeSH D002312, MONDO:0005045, HP:0001639.

Allele frequency attached by ClinVar (database versions not stated): gnomAD 0.00003; gnomAD exomes 0.00005 and 0.00007; TOPMed 0.00005; ExAC 0.00007.
gnomAD v4.1: 110 of 1,589,658 alleles (0.0069%); highest among the groups gnomAD compares: Middle Eastern, 0.017%; no homozygotes.

Submissions (3):

Labcorp Genetics (formerly Invitae), Labcorp
Classification: Likely benign for Hypertrophic cardiomyopathy. Last evaluated: 2025-09-05. Review status: criteria provided, single submitter. Criteria: Invitae Variant Classification Sherloc (09022015). Collection method: clinical testing. Allele origin: germline.

Blueprint Genetics
Classification: Likely benign. Last evaluated: 2023-09-14. Review status: criteria provided, single submitter. Criteria: ACMG Guidelines, 2015. Collection method: clinical testing. Allele origin: germline.

GeneDx
Classification: Likely benign. Last evaluated: 2018-01-10. Review status: criteria provided, single submitter. Criteria: GeneDx Variant Classification (06012015). Collection method: clinical testing. Allele origin: germline. Affected: yes.
Comment: This variant is considered likely benign or benign based on one or more of the following criteria: it is a conservative change, it occurs at a poorly conserved position in the protein, it is predicted to be benign by multiple in silico algorithms, and/or has population frequency not consistent with disease.